The following is an entry in ClinVar:

NC_000011.9:g.(?_108196027)_(108196281_?)del

Gene: ATM (ATM serine/threonine kinase; plus strand). Cytogenetic location: 11q22.3.
Variant type: Deletion.
Identifiers: ClinVar variation 1069558 (VCV001069558.5).

ClinVar aggregate classification (germline): Pathogenic (1 of 4 stars; one submission).

Conditions:
Ataxia-telangiectasia syndrome (AT). Also called: LOUIS-BAR SYNDROME; Ataxia-telangiectasia, complementation group D; AT, COMPLEMENTATION GROUP C; Cerebello-oculocutaneous telangiectasia; Immunodeficiency with ataxia telangiectasia; ATAXIA-TELANGIECTASIA, COMPLEMENTATION GROUP A. Identifiers: Orphanet 100, MedGen C0004135, MONDO:0008840, OMIM 208900.

Submission:

Labcorp Genetics (formerly Invitae), Labcorp
Classification: Pathogenic for Ataxia-telangiectasia syndrome. Last evaluated: 2020-08-06. Review status: criteria provided, single submitter. Criteria: Invitae Variant Classification Sherloc (09022015). Collection method: clinical testing. Allele origin: germline.
Comment: For these reasons, this variant has been classified as Pathogenic. Loss-of-function variants in ATM are known to be pathogenic (PMID: 23807571, 25614872). This variant has not been reported in the literature in individuals with ATM-related conditions. This variant is an out-of-frame deletion of the genomic region encompassing exon(s) 46 of the ATM gene. This is expected to create a premature translational stop signal and result in an absent or disrupted protein product.

Literature cited by the submitters: PubMed 23807571; PubMed 25614872.